The following is an entry in ClinVar:

NM_001077365.2(POMT1):c.1273-17G>C

Gene: POMT1 (protein O-mannosyltransferase 1; plus strand). Cytogenetic location: 9q34.13.
Variant type: single nucleotide variant.
Coding change: c.1273-17G>C on transcript NM_001077365.2 (MANE Select); 17 bases into the intron before coding-DNA position 1273, G replaced by C.
Molecular consequence: intron variant.
Genome position (GRCh38, 1-based): chr9:131,518,428, G>C. VCF-style: chr9-131518428-G-C. GRCh37 (hg19) VCF-style: chr9-134393815-G-C.
Other names: c.1177-17G>C (NM_001353198.2, NM_001353197.2); c.1339-17G>C (NM_001353193.2, NM_007171.4); c.1273-17G>C (NM_001136113.2, NM_001374690.1); c.1111-17G>C (NM_001353194.2, NM_001077366.2); c.922-17G>C (NM_001374691.1, NM_001353195.2, NM_001374692.1 and 2 more transcripts); c.1183-17G>C (NM_001353196.2); c.883-17G>C (NM_001374695.1); c.1261-17G>C (NM_001374689.1); and 2 more.
Identifiers: ClinVar variation 1985583 (VCV001985583.4), dbSNP rs1452338667, ClinGen allele CA590754028.

ClinVar aggregate classification (germline): Uncertain significance (1 of 4 stars; one submission).

Conditions:
Walker-Warburg congenital muscular dystrophy. Also called: Muscular dystrophy-dystroglycanopathy, type A; Walker-Warburg syndrome. Identifiers: Orphanet 899, MedGen C0265221, MONDO:0000171.
Muscular dystrophy-dystroglycanopathy (congenital with impaired intellectual development), type B, 1. Also called: MUSCULAR DYSTROPHY, CONGENITAL, POMT1-RELATED; Muscular dystrophy-dystroglycanopathy (congenital with intellectual disability), type B1. Identifiers: MedGen C5436962, MONDO:0013159, OMIM 613155.
Autosomal recessive limb-girdle muscular dystrophy type 2K. Also called: MUSCULAR DYSTROPHY-DYSTROGLYCANOPATHY (LIMB-GIRDLE), TYPE C, 1; MUSCULAR DYSTROPHY, LIMB-GIRDLE, TYPE 2K. Identifiers: Orphanet 86812, MedGen C1836373, MONDO:0012248, OMIM 609308.

Allele frequency attached by ClinVar (database versions not stated): gnomAD exomes 0.00001.
gnomAD v4.1: 5 of 1,594,724 alleles (0.00031%); highest among the groups gnomAD compares: Admixed American, 0.0083%; no homozygotes.

Submission:

Labcorp Genetics (formerly Invitae), Labcorp
Classification: Uncertain significance for Muscular dystrophy-dystroglycanopathy (congenital with impaired intellectual development), type B, 1; Walker-Warburg congenital muscular dystrophy; Autosomal recessive limb-girdle muscular dystrophy type 2K. Last evaluated: 2022-03-20. Review status: criteria provided, single submitter. Criteria: Invitae Variant Classification Sherloc (09022015). Collection method: clinical testing. Allele origin: germline.
Comment: This variant has not been reported in the literature in individuals affected with POMT1-related conditions. In summary, the available evidence is currently insufficient to determine the role of this variant in disease. Therefore, it has been classified as a Variant of Uncertain Significance. Algorithms developed to predict the effect of sequence changes on RNA splicing suggest that this variant may create or strengthen a splice site. This variant is present in population databases (no rsID available, gnomAD 0.009%). This sequence change falls in intron 13 of the POMT1 gene. It does not directly change the encoded amino acid sequence of the POMT1 protein.